The following is an entry in ClinVar:

ClinVar aggregate classification (germline): Uncertain significance. Review status: criteria provided, multiple submitters, no conflicts (2 of 4 stars). 2 submissions from 2 submitters: Uncertain significance (2). Last evaluated 2025-11-24.

Conditions:
Inborn genetic diseases. Identifiers: MedGen C0950123, MeSH D030342.

Allele frequency attached by ClinVar (database versions not stated): ExAC 0.00004; TOPMed 0.00012; 1000 Genomes Project 30x 0.00016; 1000 Genomes Project 0.00020.
gnomAD v4.1: 34 of 1,591,086 alleles (0.0021%); highest among the groups gnomAD compares: African/African-American, 0.02%; no homozygotes.

Submissions (2):

Labcorp Genetics (formerly Invitae), Labcorp
Classification: Uncertain significance. Last evaluated: 2025-11-24. Review status: criteria provided, single submitter. Criteria: Invitae Variant Classification Sherloc (09022015). Collection method: clinical testing. Allele origin: germline.
Comment: This sequence change replaces arginine, which is basic and polar, with histidine, which is basic and polar, at codon 48 of the C7 protein (p.Arg48His). The frequency data for this variant in the population databases is considered unreliable, as metrics indicate poor data quality at this position in the gnomAD database. This variant has not been reported in the literature in individuals affected with C7-related conditions. ClinVar contains an entry for this variant (Variation ID: 2084753). Invitae Evidence Modeling of protein sequence and biophysical properties (such as structural, functional, and spatial information, amino acid conservation, physicochemical variation, residue mobility, and thermodynamic stability) indicates that this missense variant is not expected to disrupt C7 protein function with a negative predictive value of 80%. In summary, the available evidence is currently insufficient to determine the role of this variant in disease. Therefore, it has been classified as a Variant of Uncertain Significance.

Ambry Genetics
Classification: Uncertain significance for Inborn genetic diseases. Last evaluated: 2023-08-08. Review status: criteria provided, single submitter. Criteria: Ambry Variant Classification Scheme 2023. Collection method: clinical testing. Allele origin: germline.

NM_000587.4(C7):c.143G>A (p.Arg48His)

Gene: C7 (complement C7; plus strand). Cytogenetic location: 5p13.1.
Variant type: single nucleotide variant.
Coding change: c.143G>A on transcript NM_000587.4 (MANE Select); coding-DNA position 143, G replaced by A.
Protein change: p.Arg48His; replaces arginine 48 with histidine.
Molecular consequence: missense variant.
Genome position (GRCh38, 1-based): chr5:40,934,329, G>A. VCF-style: chr5-40934329-G-A. GRCh37 (hg19) VCF-style: chr5-40934431-G-A.
Other names: short protein forms R48H.
Identifiers: ClinVar variation 2084753 (VCV002084753.5), dbSNP rs182653194, ClinGen allele CA3249546.